The following is an entry in ClinVar:

NM_002875.5(RAD51):c.32C>G (p.Ala11Gly)

Gene: RAD51 (RAD51 recombinase; plus strand). Cytogenetic location: 15q15.1.
Variant type: single nucleotide variant.
Coding change: c.32C>G on transcript NM_002875.5 (MANE Select); coding-DNA position 32, C replaced by G.
Protein change: p.Ala11Gly; replaces alanine 11 with glycine.
Molecular consequence: missense variant.
Genome position (GRCh38, 1-based): chr15:40,698,790, C>G. VCF-style: chr15-40698790-C-G. GRCh37 (hg19) VCF-style: chr15-40990988-C-G.
Other names: c.32C>G, p.Ala11Gly (NM_001164269.2, NM_001164270.2, NM_133487.4); short protein forms A11G.
Identifiers: ClinVar variation 1729947 (VCV001729947.2), dbSNP rs1286692919, ClinGen allele CA391744188.

ClinVar aggregate classification (germline): Uncertain significance (1 of 4 stars; one submission).

Conditions:
Inborn genetic diseases. Identifiers: MedGen C0950123, MeSH D030342.

Allele frequency attached by ClinVar (database versions not stated): gnomAD exomes below 0.00001.

Submission:

Ambry Genetics
Classification: Uncertain significance for Inborn genetic diseases. Last evaluated: 2022-02-01. Review status: criteria provided, single submitter. Criteria: Ambry Variant Classification Scheme 2023. Collection method: clinical testing. Allele origin: germline.
Comment: The p.A11G variant (also known as c.32C>G), located in coding exon 1 of the RAD51 gene, results from a C to G substitution at nucleotide position 32. The alanine at codon 11 is replaced by glycine, an amino acid with similar properties. This amino acid position is conserved. In addition, this alteration is predicted to be tolerated by in silico analysis. Since supporting evidence is limited at this time, the clinical significance of this alteration remains unclear.